The following is an entry in ClinVar:

ClinVar aggregate classification (germline): Pathogenic. Review status: reviewed by expert panel (3 of 4 stars). 25 submissions from 23 submitters: Pathogenic (1). 24 of the submissions do not count toward it. Last evaluated 2016-09-08.

Conditions:
Inherited breast cancer and ovarian cancer.
Hereditary cancer-predisposing syndrome. Also called: Neoplastic Syndromes, Hereditary; Tumor predisposition; Hereditary Cancer Syndrome; Hereditary neoplastic syndrome. Identifiers: Orphanet 140162, MedGen C0027672, MeSH D009386, MONDO:0015356.
Hereditary breast ovarian cancer syndrome. Also called: Hereditary breast and ovarian cancer; Breast and ovarian cancer; Hereditary breast and/or ovarian cancer syndrome; Hereditary breast and ovarian cancer syndrome (HBOC); Hereditary breast and ovarian cancer syndrome; BRCA1- and BRCA2-Associated Hereditary Breast and Ovarian Cancer. Identifiers: Orphanet 145, MedGen C0677776, MeSH D061325, MONDO:0003582. Disease mechanism: loss of function.
Breast-ovarian cancer, familial, susceptibility to, 2 (BROVCA2). Also called: BRCA2 Hereditary Breast and Ovarian Cancer. Identifiers: Orphanet 145, MedGen C2675520, MONDO:0012933, OMIM 612555. Disease mechanism: loss of function.
Breast-ovarian cancer, familial, susceptibility to, 1 (BROVCA1). Also called: OVARIAN CANCER, SUSCEPTIBILITY TO; BRCA1 Hereditary Breast and Ovarian Cancer. Identifiers: Orphanet 145, MedGen C2676676, MONDO:0011450, OMIM 604370. Disease mechanism: loss of function.
Familial cancer of breast. Also called: BREAST CANCER, FAMILIAL; Hereditary breast cancer; hereditary breast carcinoma. Identifiers: Orphanet 227535, MedGen C0346153, MONDO:0016419, OMIM 114480. Disease mechanism: loss of function.
Malignant tumor of breast. Also called: Malignant breast neoplasm; Cancer breast. Identifiers: MedGen C0006142, MONDO:0007254. Disease mechanism: loss of function.

Submissions 1 to 11 of 25:

Evidence-based Network for the Interpretation of Germline Mutant Alleles (ENIGMA)
Classification: Pathogenic for Breast-ovarian cancer, familial, susceptibility to, 2. Last evaluated: 2016-09-08. Review status: reviewed by expert panel. Criteria: ENIGMA BRCA1/2 Classification Criteria (2015). Collection method: curation. Allele origin: germline.
Comment: Variant allele predicted to encode a truncated non-functional protein.

Labcorp Genetics (formerly Invitae), Labcorp
Classification: Pathogenic for Hereditary breast ovarian cancer syndrome. Last evaluated: 2026-01-27. Review status: criteria provided, single submitter. Criteria: Invitae Variant Classification Sherloc (09022015). Collection method: clinical testing. Allele origin: germline. Not counted in ClinVar's aggregate classification.
Comment: This sequence change creates a premature translational stop signal (p.Asn433Glnfs*18) in the BRCA2 gene. It is expected to result in an absent or disrupted protein product. Loss-of-function variants in BRCA2 are known to be pathogenic (PMID: 20104584). This variant is not present in population databases (gnomAD no frequency). This premature translational stop signal has been observed in individual(s) with a history of Lynch syndrome-associated cancer and/or colorectal polyps (PMID: 25682074, 25980754, 28008555). This variant is also known as 1524delGA. ClinVar contains an entry for this variant (Variation ID: 37736). For these reasons, this variant has been classified as Pathogenic.

Dasa
Classification: Pathogenic for Breast-ovarian cancer, familial, susceptibility to, 2. Last evaluated: 2025-09-30. Review status: criteria provided, single submitter. Criteria: DASA Assertion Criteria. Collection method: clinical testing. Allele origin: germline. Not counted in ClinVar's aggregate classification.
Comment: NM_000059.4(BRCA2):c.1296_1297del (p.Asn433GlnfsTer18) is a frameshift variant in BRCA2 predicted to alter the reading frame and introduce a premature termination codon and is predicted to result in an absent or altered protein product. Loss of function is an established disease mechanism for BRCA2 (PMID: 16199546; PMID: 17063271; PMID: 25632310). The affected residue or protein region has prior evidence supporting clinical relevance. Also, this variant is absent from population databases. Based on the currently available evidence, this variant is classified as pathogenic.

Genetics Laboratory, Great Ormond Street Hospital NHS Foundation Trust, North Thames Genomic Laboratory Hub
Classification: Pathogenic for Inherited breast cancer and ovarian cancer. Last evaluated: 2025-09-25. Review status: criteria provided, single submitter. Criteria: CanVIG BRCA Gene Specific V1.22. Collection method: clinical testing. Allele origin: germline. Affected: yes. Not counted in ClinVar's aggregate classification.
Comment: PM2_moderate, PVS1_very-strong, PM5_strong

Ambry Genetics
Classification: Pathogenic for Hereditary cancer-predisposing syndrome. Last evaluated: 2025-09-08. Review status: criteria provided, single submitter. Criteria: Ambry Variant Classification Scheme 2023. Collection method: clinical testing. Allele origin: germline. Not counted in ClinVar's aggregate classification.
Comment: The c.1296_1297delGA pathogenic mutation, located in coding exon 9 of the BRCA2 gene, results from a deletion of two nucleotides at nucleotide positions 1296 to 1297, causing a translational frameshift with a predicted alternate stop codon (p.N433Qfs*18). This alteration was identified in a cohort German patients considered to be at increased risk for HBOC syndrome (Meisel C et al. Arch. Gynecol. Obstet. 2017 May;295:1227-1238). In a large, clinic-based BRCA1/2 testing cohort in Norway, this variant was detected in one family (Heramb C et al. Hered Cancer Clin Pract. 2018 Jan;16:3). This variant is considered to be rare based on population cohorts in the Genome Aggregation Database (gnomAD). This alteration is expected to result in loss of function by premature protein truncation or nonsense-mediated mRNA decay. As such, this alteration is interpreted as a disease-causing mutation.

GeneKor MSA
Classification: Pathogenic for Hereditary breast ovarian cancer syndrome. Last evaluated: 2025-05-15. Review status: criteria provided, single submitter. Criteria: ACMG Guidelines, 2015. Collection method: clinical testing. Allele origin: germline. Affected: no. Not counted in ClinVar's aggregate classification.
Comment: This is a two-nucleotide deletion in exon 10 of the BRCA2 mRNA c.(1296_1297delGA), causing a frameshift after codon 433 -p.(Asn433Glnfs*18). This creates a novel stop codon 18 amino acid residues later and is expected to result in a truncated, non-functional protein. Truncating variants in BRCA2 are known to be pathogenic (PMID:20104584). This variation is also known as 1524_1525delGA. This variant is not present in population databases (rs80359276) and has been reported in the international literature in individuals affected with breast and ovarian cancer (PMID:32393398, 32438681, 25682074, 28008555) and in an individual with a history of Lynch syndrome-associated cancer and/or colorectal polyps (PMID:25980754). The mutation database ClinVar contains an entry for this variant (VCV000037736.69). Based on the classification criteria set by the ACMG and AMP (PMID:25741868) this variant has been classified as pathogenic.

Institute of Human Genetics, University of Leipzig Medical Center
Classification: Pathogenic for Breast-ovarian cancer, familial, susceptibility to, 2. Last evaluated: 2025-04-10. Review status: criteria provided, single submitter. Criteria: ACMG Guidelines, 2015. Collection method: clinical testing. Allele origin: unknown. Inheritance: Autosomal dominant inheritance. Affected: yes. Not counted in ClinVar's aggregate classification.
Comment: Criteria applied: PVS1,PM5

Institute of Human Genetics, University of Leipzig Medical Center
Classification: Pathogenic for Familial cancer of breast. Last evaluated: 2024-11-12. Review status: criteria provided, single submitter. Criteria: ACMG Guidelines, 2015. Collection method: clinical testing. Allele origin: unknown. Inheritance: Autosomal dominant inheritance. Affected: yes. Not counted in ClinVar's aggregate classification.
Comment: Criteria applied: PVS1,PM5,PM2_SUP

GeneDx
Classification: Pathogenic. Last evaluated: 2024-04-18. Review status: criteria provided, single submitter. Criteria: GeneDx Variant Classification Process June 2021. Collection method: clinical testing. Allele origin: germline. Affected: yes. Not counted in ClinVar's aggregate classification.
Comment: Frameshift variant predicted to result in protein truncation or nonsense mediated decay in a gene for which loss of function is a known mechanism of disease; Observed in individuals with breast and/or ovarian cancer (PMID: 25682074, 28008555, 28294317, 28324225, 29176636, 30322717); Not observed at significant frequency in large population cohorts (gnomAD); Truncating variants in this gene are considered pathogenic by a well-established clinical consortium and/or database; Also known as 1524_1525delGA; This variant is associated with the following publications: (PMID: 28008555, 28324225, 32438681, 25682074, 25980754, 29339979, 31825140, 32318955, 29176636, 30787465, 28294317, 30322717, 30702160, 32393398, 38136436, 36881271)

Institute of Human Genetics, University of Leipzig Medical Center
Classification: Pathogenic for Breast-ovarian cancer, familial, susceptibility to, 1. Last evaluated: 2024-03-21. Review status: criteria provided, single submitter. Criteria: ACMG Guidelines, 2015. Collection method: clinical testing. Allele origin: unknown. Inheritance: Autosomal dominant inheritance. Affected: yes. Not counted in ClinVar's aggregate classification.
Comment: Criteria applied: PVS1,PM5_STR,PM2_SUP

Baylor Genetics
Classification: Pathogenic for Familial cancer of breast. Last evaluated: 2023-10-09. Review status: criteria provided, single submitter. Criteria: ACMG Guidelines, 2015. Collection method: clinical testing. Allele origin: unknown. Not counted in ClinVar's aggregate classification.

NM_000059.4(BRCA2):c.1296_1297del (p.Asn433fs)

Gene: BRCA2 (BRCA2 DNA repair associated; plus strand). Cytogenetic location: 13q13.1.
Variant type: Microsatellite.
Coding change: c.1296_1297del on transcript NM_000059.4 (MANE Select); coding-DNA positions 1296 to 1297, 2 bases deleted (GA; older notation c.1296_1297delGA).
Protein change: p.Asn433fs; shifts the reading frame from asparagine 433.
Molecular consequence: frameshift variant.
Genome position (GRCh38, 1-based): chr13:32,332,774-32,332,775, GA deleted; deleting any 2 consecutive bases within chr13:32,332,771-32,332,775 gives the same sequence; the c. name uses the placement nearest the transcript's 3' end. VCF-style (leftmost placement, unchanged base first): chr13-32332770-CAG-C. GRCh37 (hg19) VCF-style: chr13-32906907-CAG-C.
Other names: 1524delGA; c.1296_1297delGA (NM_000059.3); short protein forms N433fs.
Identifiers: ClinVar variation 37736 (VCV000037736.83), dbSNP rs80359276, ClinGen allele CA011479.